The following is an entry in ClinVar:

ClinVar aggregate classification (germline): Likely benign. Review status: criteria provided, single submitter (1 of 4 stars). 2 submissions from 2 submitters: Likely benign (1). 1 of the submissions does not count toward it. Last evaluated 2016-04-07.

Conditions:
CLDN14-related disorder. Also called: CLDN14-related condition.

Allele frequency attached by ClinVar (database versions not stated): TOPMed 0.00002; gnomAD 0.00003 and 0.00004; ExAC 0.00005; gnomAD exomes 0.00005.
gnomAD v4.1: 74 of 1,613,322 alleles (0.0046%); highest among the groups gnomAD compares: Non-Finnish European, 0.0056%; no homozygotes.

Submissions (2):

Laboratory for Molecular Medicine, Mass General Brigham Personalized Medicine
Classification: Likely benign. Last evaluated: 2016-04-07. Review status: criteria provided, single submitter. Criteria: LMM Criteria. Collection method: clinical testing. Allele origin: germline. Observed: 1 variant allele.
Comment: p.Gly121Gly variant in exon 3 of CLDN14: This variant is not expected to have cl inical significance because it does not alter an amino acid residue and it is no t located within the splice consensus sequence. It has been identified in 6/656 36 European chromosomes by the Exome Aggregation Consortium (ExAC; dbSNP rs763411863).

PreventionGenetics, part of Exact Sciences
Classification: Likely benign for CLDN14-related condition. Last evaluated: 2019-03-01. Review status: no assertion criteria provided. Collection method: clinical testing. Allele origin: germline. Not counted in ClinVar's aggregate classification.
Comment: This variant is classified as likely benign based on ACMG/AMP sequence variant interpretation guidelines (Richards et al. 2015 PMID: 25741868, with internal and published modifications).

NM_001146079.2(CLDN14):c.363C>T (p.Gly121=)

Genes: CLDN14 (claudin 14; minus strand), CLDN14-AS1 (CLDN14 antisense RNA 1; plus strand). Cytogenetic location: 21q22.13.
Variant type: single nucleotide variant.
Coding change: c.363C>T on transcript NM_001146079.2 (MANE Select); coding-DNA position 363, C replaced by T.
Protein change: p.Gly121=; no amino-acid change (glycine 121 retained).
Molecular consequence: synonymous variant.
Genome position (GRCh38, 1-based): chr21:36,461,333, G>A on the plus strand (C>T on the coding strand, the complement: CLDN14 is on the minus strand). VCF-style: chr21-36461333-G-A. GRCh37 (hg19) VCF-style: chr21-37833631-G-A.
Other names: c.363C>T, p.Gly121= (NM_001146077.2, NM_001146078.3, NM_012130.4 and 1 more transcripts).
Identifiers: ClinVar variation 227252 (VCV000227252.6), dbSNP rs763411863, ClinGen allele CA10019278.